The following is an entry in ClinVar:

NM_006091.5(CORO2B):c.581T>A (p.Leu194Gln)

Gene: CORO2B (coronin 2B; plus strand). Cytogenetic location: 15q23.
Variant type: single nucleotide variant.
Coding change: c.581T>A on transcript NM_006091.5 (MANE Select); coding-DNA position 581, T replaced by A.
Protein change: p.Leu194Gln; replaces leucine 194 with glutamine.
Molecular consequence: missense variant.
Genome position (GRCh38, 1-based): chr15:68,711,639, T>A. VCF-style: chr15-68711639-T-A. GRCh37 (hg19) VCF-style: chr15-69003978-T-A.
Other names: c.566T>A, p.Leu189Gln (NM_001190456.2, NM_001190457.2, NM_001324014.1 and 1 more transcripts); short protein forms L189Q, L194Q.
Identifiers: ClinVar variation 2645492 (VCV002645492.24), dbSNP rs138122643, ClinGen allele CA7632526.

ClinVar aggregate classification (germline): Likely benign (1 of 4 stars; one submission).

Allele frequency attached by ClinVar (database versions not stated): 1000 Genomes Project 30x 0.00219; 1000 Genomes Project 0.00240; gnomAD 0.00253; TOPMed 0.00254; ExAC 0.00267; ESP Exome Variant Server 0.00269.
gnomAD v4.1: 4,139 of 1,614,128 alleles (0.26%); highest among the groups gnomAD compares: Admixed American, 0.44%; 7 homozygotes.

Submission:

CeGaT Center for Human Genetics Tuebingen
Classification: Likely benign. Last evaluated: 2022-10-01. Review status: criteria provided, single submitter. Criteria: CeGaT Center For Human Genetics Tuebingen Variant Classification Criteria Version 2. Collection method: clinical testing. Allele origin: germline. Affected: yes. Observed: 1 variant allele.
Comment: CORO2B: BS2